The following is an entry in ClinVar:

NM_007118.4(TRIO):c.3881+8A>G

Gene: TRIO (trio Rho guanine nucleotide exchange factor; plus strand). Cytogenetic location: 5p15.2.
Variant type: single nucleotide variant.
Coding change: c.3881+8A>G on transcript NM_007118.4 (MANE Select); 8 bases into the intron after coding-DNA position 3881, A replaced by G.
Molecular consequence: intron variant.
Genome position (GRCh38, 1-based): chr5:14,387,855, A>G. VCF-style: chr5-14387855-A-G. GRCh37 (hg19) VCF-style: chr5-14387964-A-G.
Identifiers: ClinVar variation 3025549 (VCV003025549.23), dbSNP rs780918147, ClinGen allele CA3206297.

ClinVar aggregate classification (germline): Likely benign. Review status: criteria provided, multiple submitters, no conflicts (2 of 4 stars). 2 submissions from 2 submitters: Likely benign (2). Last evaluated 2025-06-01.

Allele frequency attached by ClinVar (database versions not stated): gnomAD exomes 0.00004; ExAC 0.00005; gnomAD 0.00006; TOPMed 0.00006.
gnomAD v4.1: 80 of 1,612,868 alleles (0.005%); highest among the groups gnomAD compares: Middle Eastern, 0.13%; 1 homozygote.

Submissions (2):

CeGaT Center for Human Genetics Tuebingen
Classification: Likely benign. Last evaluated: 2025-06-01. Review status: criteria provided, single submitter. Criteria: CeGaT Center For Human Genetics Tuebingen Variant Classification Criteria Version 2. Collection method: clinical testing. Allele origin: germline. Affected: yes. Observed: 2 variant alleles.
Comment: TRIO: BP4, BS2

Blueprint Genetics
Classification: Likely benign. Last evaluated: 2024-03-28. Review status: criteria provided, single submitter. Criteria: ACMG Guidelines, 2015. Collection method: clinical testing. Allele origin: germline.